The following is an entry in ClinVar:

NM_002462.5(MX1):c.*31C>T

Gene: MX1 (MX dynamin like GTPase 1; plus strand). Cytogenetic location: 21q22.3.
Variant type: single nucleotide variant.
Coding change: c.*31C>T on transcript NM_002462.5 (MANE Select); 31 bases downstream of the stop codon, C replaced by T.
Molecular consequence: 3 prime UTR variant.
Genome position (GRCh38, 1-based): chr21:41,458,789, C>T. VCF-style: chr21-41458789-C-T. GRCh37 (hg19) VCF-style: chr21-42830716-C-T.
Other names: c.*31C>T (NM_001144925.2, NM_001178046.3); c.*8C>T (NM_001282920.1).
Identifiers: ClinVar variation 2652680 (VCV002652680.24), dbSNP rs142831212, ClinGen allele CA10034274.

ClinVar aggregate classification (germline): Benign (1 of 4 stars; one submission).

Allele frequency attached by ClinVar (database versions not stated): 1000 Genomes Project 0.00519; ESP Exome Variant Server 0.00731; TOPMed 0.00731; gnomAD 0.00999; ExAC 0.01068; gnomAD exomes 0.01240.
gnomAD v4.1: 19,391 of 1,594,536 alleles (1.2%); highest among the groups gnomAD compares: Non-Finnish European, 1.3%; 153 homozygotes.

Submission:

CeGaT Center for Human Genetics Tuebingen
Classification: Benign. Last evaluated: 2022-11-01. Review status: criteria provided, single submitter. Criteria: CeGaT Center For Human Genetics Tuebingen Variant Classification Criteria Version 2. Collection method: clinical testing. Allele origin: germline. Affected: yes. Observed: 1 variant allele.
Comment: MX1: BS1, BS2